The following is an entry in ClinVar:

NM_000482.4(APOA4):c.659G>A (p.Arg220His)

Gene: APOA4 (apolipoprotein A4; minus strand). Cytogenetic location: 11q23.3.
Variant type: single nucleotide variant.
Coding change: c.659G>A on transcript NM_000482.4 (MANE Select); coding-DNA position 659, G replaced by A.
Protein change: p.Arg220His; replaces arginine 220 with histidine.
Molecular consequence: missense variant.
Genome position (GRCh38, 1-based): chr11:116,821,399, C>T on the plus strand (G>A on the coding strand, the complement: APOA4 is on the minus strand). VCF-style: chr11-116821399-C-T. GRCh37 (hg19) VCF-style: chr11-116692115-C-T.
Other names: short protein forms R220H.
Identifiers: ClinVar variation 3603976 (VCV003603976.2).

ClinVar aggregate classification (germline): Uncertain significance (1 of 4 stars; one submission).

Submission:

Labcorp Genetics (formerly Invitae), Labcorp
Classification: Uncertain significance. Last evaluated: 2024-08-08. Review status: criteria provided, single submitter. Criteria: Invitae Variant Classification Sherloc (09022015). Collection method: clinical testing. Allele origin: germline.
Comment: This sequence change replaces arginine, which is basic and polar, with histidine, which is basic and polar, at codon 220 of the APOA4 protein (p.Arg220His). This variant is present in population databases (rs541515376, gnomAD 0.1%), and has an allele count higher than expected for a pathogenic variant. This variant has not been reported in the literature in individuals affected with APOA4-related conditions. Advanced modeling of protein sequence and biophysical properties (such as structural, functional, and spatial information, amino acid conservation, physicochemical variation, residue mobility, and thermodynamic stability) performed at Invitae indicates that this missense variant is not expected to disrupt APOA4 protein function with a negative predictive value of 80%. In summary, the available evidence is currently insufficient to determine the role of this variant in disease. Therefore, it has been classified as a Variant of Uncertain Significance.